The following is an entry in ClinVar:

NM_001351132.2(PEX5):c.1656G>T (p.Gln552His)

Gene: PEX5 (peroxisomal biogenesis factor 5; plus strand). Cytogenetic location: 12p13.31.
Variant type: single nucleotide variant.
Coding change: c.1656G>T on transcript NM_001351132.2 (MANE Select); coding-DNA position 1656, G replaced by T.
Protein change: p.Gln552His; replaces glutamine 552 with histidine.
Molecular consequence: missense variant.
Genome position (GRCh38, 1-based): chr12:7,209,778, G>T. VCF-style: chr12-7209778-G-T. GRCh37 (hg19) VCF-style: chr12-7362374-G-T.
Other names: c.1632G>T, p.Gln544His (NM_000319.5); c.1701G>T, p.Gln567His (NM_001131023.2); c.1545G>T, p.Gln515His (NM_001131024.2, NM_001351124.3, NM_001351126.2 and 7 more transcripts); c.1656G>T, p.Gln552His (NM_001131025.2, NM_001131026.2, NM_001300789.3 and 4 more transcripts); c.1590G>T, p.Gln530His (NM_001351135.3, NM_001351138.2); c.1647G>T, p.Gln549His (NM_001351136.2); c.1521G>T, p.Gln507His (NM_001351139.2, NM_001351140.2, NM_001374649.2); short protein forms Q552H, Q530H, Q544H, Q567H, Q507H, Q515H, Q549H.
Identifiers: ClinVar variation 1980447 (VCV001980447.4), dbSNP rs752121156, ClinGen allele CA6426538.

ClinVar aggregate classification (germline): Uncertain significance (1 of 4 stars; one submission).

Conditions:
Peroxisome biogenesis disorder 2B (PBD2B). Identifiers: Orphanet 44, MedGen C3550234, MONDO:0008736, OMIM 202370.

Allele frequency attached by ClinVar (database versions not stated): gnomAD 0.00001; ExAC 0.00002.
gnomAD v4.1: 10 of 1,614,088 alleles (0.00062%); highest among the groups gnomAD compares: South Asian, 0.011%; no homozygotes.

Submission:

Labcorp Genetics (formerly Invitae), Labcorp
Classification: Uncertain significance for Peroxisome biogenesis disorder 2B. Last evaluated: 2022-03-31. Review status: criteria provided, single submitter. Criteria: Invitae Variant Classification Sherloc (09022015). Collection method: clinical testing. Allele origin: germline.
Comment: This sequence change replaces glutamine, which is neutral and polar, with histidine, which is basic and polar, at codon 552 of the PEX5 protein (p.Gln552His). In summary, the available evidence is currently insufficient to determine the role of this variant in disease. Therefore, it has been classified as a Variant of Uncertain Significance. Algorithms developed to predict the effect of missense changes on protein structure and function (SIFT, PolyPhen-2, Align-GVGD) all suggest that this variant is likely to be tolerated. This variant has not been reported in the literature in individuals affected with PEX5-related conditions. This variant is present in population databases (rs752121156, gnomAD 0.01%).